The following is an entry in ClinVar:

NM_000465.4(BARD1):c.1940A>C (p.Gln647Pro)

Gene: BARD1 (BRCA1 associated RING domain 1; minus strand). Cytogenetic location: 2q35.
Variant type: single nucleotide variant.
Coding change: c.1940A>C on transcript NM_000465.4 (MANE Select); coding-DNA position 1940, A replaced by C.
Protein change: p.Gln647Pro; replaces glutamine 647 with proline.
Molecular consequence: missense variant. On other transcripts: non-coding transcript variant (3).
Genome position (GRCh38, 1-based): chr2:214,730,472, T>G on the plus strand (A>C on the coding strand, the complement: BARD1 is on the minus strand). VCF-style: chr2-214730472-T-G. GRCh37 (hg19) VCF-style: chr2-215595196-T-G.
Other names: c.1940A>C (NM_000465.2); c.1883A>C, p.Gln628Pro (NM_001282543.2); c.587A>C, p.Gln196Pro (NM_001282545.2); c.530A>C, p.Gln177Pro (NM_001282548.2); c.401A>C, p.Gln134Pro (NM_001282549.2); short protein forms Q134P, Q177P, Q196P, Q628P, Q647P.
Identifiers: ClinVar variation 3624070 (VCV003624070.3).

ClinVar aggregate classification (germline): Uncertain significance. Review status: criteria provided, multiple submitters, no conflicts (2 of 4 stars). 2 submissions from 2 submitters: Uncertain significance (2). Last evaluated 2025-03-06.

Conditions:
Hereditary cancer-predisposing syndrome. Also called: Tumor predisposition; Hereditary neoplastic syndrome; Neoplastic Syndromes, Hereditary; Hereditary Cancer Syndrome. Identifiers: Orphanet 140162, MedGen C0027672, MeSH D009386, MONDO:0015356.
Familial cancer of breast. Also called: Hereditary breast cancer; hereditary breast carcinoma; BREAST CANCER, FAMILIAL. Identifiers: Orphanet 227535, MedGen C0346153, MONDO:0016419, OMIM 114480. Disease mechanism: loss of function.

Submissions (2):

Ambry Genetics
Classification: Uncertain significance for Hereditary cancer-predisposing syndrome. Last evaluated: 2025-03-06. Review status: criteria provided, single submitter. Criteria: Ambry Variant Classification Scheme 2023. Collection method: clinical testing. Allele origin: germline.
Comment: The p.Q647P variant (also known as c.1940A>C), located in coding exon 10 of the BARD1 gene, results from an A to C substitution at nucleotide position 1940. The glutamine at codon 647 is replaced by proline, an amino acid with similar properties. This amino acid position is conserved. In addition, this alteration is predicted to be tolerated by in silico analysis. Based on the available evidence, the clinical significance of this variant remains unclear.

Labcorp Genetics (formerly Invitae), Labcorp
Classification: Uncertain significance for Familial cancer of breast. Last evaluated: 2024-09-14. Review status: criteria provided, single submitter. Criteria: Invitae Variant Classification Sherloc (09022015). Collection method: clinical testing. Allele origin: germline.
Comment: This sequence change replaces glutamine, which is neutral and polar, with proline, which is neutral and non-polar, at codon 647 of the BARD1 protein (p.Gln647Pro). This variant is not present in population databases (gnomAD no frequency). This variant has not been reported in the literature in individuals affected with BARD1-related conditions. An algorithm developed to predict the effect of missense changes on protein structure and function outputs the following: PolyPhen-2: "Benign". The proline amino acid residue is found in multiple mammalian species, which suggests that this missense change does not adversely affect protein function. In summary, the available evidence is currently insufficient to determine the role of this variant in disease. Therefore, it has been classified as a Variant of Uncertain Significance.